The following is an entry in ClinVar:

NM_001142864.4(PIEZO1):c.6494AGA[6] (p.Lys2169dup)

Gene: PIEZO1 (piezo type mechanosensitive ion channel component 1 (Er blood group); minus strand). Cytogenetic location: 16q24.3.
Variant type: Microsatellite.
Coding change: c.6494AGA[6] on transcript NM_001142864.4 (MANE Select); six copies in a row of the 3-base unit AGA starting at c.6494; the reference has five copies in a row; one copy, 3 bases duplicated.
Protein change: p.Lys2169dup; duplicates lysine 2169.
Molecular consequence: inframe insertion.
Genome position (GRCh38, 1-based): chr16:88,717,175-88,717,177, TCT duplicated on the plus strand (AGA on the coding strand, the reverse complement: PIEZO1 is on the minus strand); duplicating any 3 consecutive bases within chr16:88,717,175-88,717,189 gives the same sequence; the position shown is the placement nearest the transcript's 3' end. VCF-style (leftmost placement, unchanged base first): chr16-88717174-A-ATCT. GRCh37 (hg19) VCF-style: chr16-88783582-A-ATCT.
Identifiers: ClinVar variation 1495472 (VCV001495472.6), dbSNP rs763477215, ClinGen allele CA286406963.
Genomic context (GRCh38, chr16:88,717,174, plus strand): 5'-GGGAACCAGATGATGGCGATGAGGAAGAGGATGATGAGGCCACCCATGCCGTACTTGACG[A>ATCT]TCTTCTTCTTCTTCTGCCCTTTGGGCTGCGGGTATTTCTGGAGGGGAACGACACAGGTCA-3'

ClinVar aggregate classification (germline): Uncertain significance (1 of 4 stars; one submission).

Submission:

Labcorp Genetics (formerly Invitae), Labcorp
Classification: Uncertain significance. Last evaluated: 2022-12-30. Review status: criteria provided, single submitter. Criteria: Invitae Variant Classification Sherloc (09022015). Collection method: clinical testing. Allele origin: germline.
Comment: In summary, the available evidence is currently insufficient to determine the role of this variant in disease. Therefore, it has been classified as a Variant of Uncertain Significance. Experimental studies and prediction algorithms are not available or were not evaluated, and the functional significance of this variant is currently unknown. This variant has not been reported in the literature in individuals affected with PIEZO1-related conditions. This variant is not present in population databases (gnomAD no frequency). This variant, c.6506_6508dup, results in the insertion of 1 amino acid(s) of the PIEZO1 protein (p.Lys2169dup), but otherwise preserves the integrity of the reading frame.